The following is an entry in ClinVar:

ClinVar aggregate classification (germline): Likely benign. Review status: criteria provided, multiple submitters, no conflicts (2 of 4 stars). 2 submissions from 2 submitters: Likely benign (2). Last evaluated 2026-07-01.

Conditions:
Kleefstra syndrome 1 (KLEFS1). Identifiers: Orphanet 261494, MedGen C0795833, MONDO:0027407, OMIM 610253.

Allele frequency attached by ClinVar (database versions not stated): gnomAD 0.00001; TOPMed 0.00001; ESP Exome Variant Server 0.00008.
gnomAD v4.1: 7 of 1,613,902 alleles (0.00043%); highest among the groups gnomAD compares: East Asian, 0.0022%; no homozygotes.

Submissions (2):

CeGaT Center for Human Genetics Tuebingen
Classification: Likely benign. Last evaluated: 2026-07-01. Review status: criteria provided, single submitter. Criteria: CeGaT Center For Human Genetics Tuebingen Variant Classification Criteria Version 2. Collection method: clinical testing. Allele origin: germline. Affected: yes. Observed: 1 variant allele.
Comment: EHMT1: BP4, BP7

Labcorp Genetics (formerly Invitae), Labcorp
Classification: Likely benign for Kleefstra syndrome 1. Last evaluated: 2025-05-27. Review status: criteria provided, single submitter. Criteria: Invitae Variant Classification Sherloc (09022015). Collection method: clinical testing. Allele origin: germline.

NM_024757.5(EHMT1):c.1923G>A (p.Thr641=)

Gene: EHMT1 (euchromatic histone lysine methyltransferase 1; plus strand). Cytogenetic location: 9q34.3.
Variant type: single nucleotide variant.
Coding change: c.1923G>A on transcript NM_024757.5 (MANE Select); coding-DNA position 1923, G replaced by A.
Protein change: p.Thr641=; no amino-acid change (threonine 641 retained).
Molecular consequence: synonymous variant.
Genome position (GRCh38, 1-based): chr9:137,776,749, G>A. VCF-style: chr9-137776749-G-A. GRCh37 (hg19) VCF-style: chr9-140671201-G-A.
Other names: c.1923G>A, p.Thr641= (NM_001145527.2); c.1830G>A, p.Thr610= (NM_001354259.2); c.1902G>A, p.Thr634= (NM_001354263.2).
Identifiers: ClinVar variation 1618682 (VCV001618682.9), dbSNP rs375663182, ClinGen allele CA5374756.